The following is an entry in ClinVar:

ClinVar aggregate classification (germline): Pathogenic (1 of 4 stars; one submission).

Conditions:
Neurofibromatosis, type 1 (NF1). Also called: VON RECKLINGHAUSEN DISEASE; Neurofibromatosis, type I; Peripheral type neurofibromatosis; NEUROFIBROMATOSIS, TYPE I, SOMATIC. Identifiers: Orphanet 636, MedGen C0027831, MONDO:0018975, OMIM 162200. Disease mechanism: loss of function.

Submission:

Labcorp Genetics (formerly Invitae), Labcorp
Classification: Pathogenic for Neurofibromatosis, type 1. Last evaluated: 2023-04-22. Review status: criteria provided, single submitter. Criteria: Invitae Variant Classification Sherloc (09022015). Collection method: clinical testing. Allele origin: germline.
Comment: For these reasons, this variant has been classified as Pathogenic. This variant has not been reported in the literature in individuals affected with NF1-related conditions. This variant is not present in population databases (gnomAD no frequency). This sequence change creates a premature translational stop signal (p.Lys1670*) in the NF1 gene. It is expected to result in an absent or disrupted protein product. Loss-of-function variants in NF1 are known to be pathogenic (PMID: 10712197, 23913538).

Literature cited by the submitters: PubMed 10712197; PubMed 23913538.

NM_001042492.3(NF1):c.5071A>T (p.Lys1691Ter)

Gene: NF1 (neurofibromin 1; plus strand). Cytogenetic location: 17q11.2.
Variant type: single nucleotide variant.
Coding change: c.5071A>T on transcript NM_001042492.3 (MANE Select); coding-DNA position 5071, A replaced by T.
Protein change: p.Lys1691Ter; replaces lysine 1691 with a stop codon.
Molecular consequence: nonsense.
Genome position (GRCh38, 1-based): chr17:31,326,055, A>T. VCF-style: chr17-31326055-A-T. GRCh37 (hg19) VCF-style: chr17-29653073-A-T.
Other names: c.5008A>T, p.Lys1670Ter (NM_000267.4); short protein forms K1670*, K1691*.
Identifiers: ClinVar variation 2858151 (VCV002858151.3), dbSNP rs780803693, ClinGen allele CA399007448.
Genomic context (GRCh38, chr17:31,326,055, plus strand): 5'-TACGACAACGTCTCCGCAGTCTATATCTATAACTGTAACTCCTGGGTCAGGGAGTACACC[A>T]AGTATCATGAGCGGCTGCTGACTGGCCTCAAAGGTAGCAAAAGGCTTGTTTTCATAGACT-3'